The following is an entry in ClinVar:

ClinVar aggregate classification (germline): Likely benign (1 of 4 stars; one submission).

gnomAD v4.1: 9 of 1,613,852 alleles (0.00056%); highest among the groups gnomAD compares: Non-Finnish European, 0.00068%; no homozygotes.

Submission:

CeGaT Center for Human Genetics Tuebingen
Classification: Likely benign. Last evaluated: 2024-09-01. Review status: criteria provided, single submitter. Criteria: CeGaT Center For Human Genetics Tuebingen Variant Classification Criteria Version 2. Collection method: clinical testing. Allele origin: germline. Affected: yes. Observed: 1 variant allele.
Comment: CHD7: BP4

NM_017780.4(CHD7):c.8837C>G (p.Pro2946Arg)

Gene: CHD7 (chromodomain helicase DNA binding protein 7; plus strand). Cytogenetic location: 8q12.2.
Variant type: single nucleotide variant.
Coding change: c.8837C>G on transcript NM_017780.4 (MANE Select); coding-DNA position 8837, C replaced by G.
Protein change: p.Pro2946Arg; replaces proline 2946 with arginine.
Molecular consequence: missense variant.
Genome position (GRCh38, 1-based): chr8:60,865,776, C>G. VCF-style: chr8-60865776-C-G. GRCh37 (hg19) VCF-style: chr8-61778335-C-G.
Other names: c.2690C>G, p.Pro897Arg (NM_001316690.1); short protein forms P2946R, P897R.
Identifiers: ClinVar variation 3388828 (VCV003388828.14).